The following is an entry in ClinVar:

ClinVar aggregate classification (germline): Uncertain significance (1 of 4 stars; one submission).

Submission:

GeneDx
Classification: Uncertain significance. Last evaluated: 2024-12-01. Review status: criteria provided, single submitter. Criteria: GeneDx Variant Classification Process June 2021. Collection method: clinical testing. Allele origin: germline. Affected: yes.
Comment: Not observed at significant frequency in large population cohorts (gnomAD); In silico analysis supports that this missense variant has a deleterious effect on protein structure/function; Has not been previously published as pathogenic or benign to our knowledge

NM_024422.6(DSC2):c.2321C>T (p.Ser774Leu)

Gene: DSC2 (desmocollin 2; minus strand). Cytogenetic location: 18q12.1.
Variant type: single nucleotide variant.
Coding change: c.2321C>T on transcript NM_024422.6 (MANE Select); coding-DNA position 2321, C replaced by T.
Protein change: p.Ser774Leu; replaces serine 774 with leucine.
Molecular consequence: missense variant.
Genome position (GRCh38, 1-based): chr18:31,069,081, G>A on the plus strand (C>T on the coding strand, the complement: DSC2 is on the minus strand). VCF-style: chr18-31069081-G-A. GRCh37 (hg19) VCF-style: chr18-28649047-G-A.
Other names: c.1892C>T, p.Ser631Leu (NM_001406506.1, NM_001406507.1); c.2321C>T, p.Ser774Leu (NM_004949.5); short protein forms S631L, S774L.
Identifiers: ClinVar variation 3903289 (VCV003903289.1).